The following is an entry in ClinVar:

NM_014908.4(DOLK):c.1606C>G (p.Leu536Val)

Gene: DOLK (dolichol kinase; minus strand). Cytogenetic location: 9q34.11.
Variant type: single nucleotide variant.
Coding change: c.1606C>G on transcript NM_014908.4 (MANE Select); coding-DNA position 1606, C replaced by G.
Protein change: p.Leu536Val; replaces leucine 536 with valine.
Molecular consequence: missense variant.
Genome position (GRCh38, 1-based): chr9:128,945,698, G>C on the plus strand (C>G on the coding strand, the complement: DOLK is on the minus strand). VCF-style: chr9-128945698-G-C. GRCh37 (hg19) VCF-style: chr9-131707977-G-C.
Other names: short protein forms L536V.
Identifiers: ClinVar variation 2009788 (VCV002009788.4), dbSNP rs1564545424, ClinGen allele CA375115195.

ClinVar aggregate classification (germline): Uncertain significance (1 of 4 stars; one submission).

Conditions:
DK1-congenital disorder of glycosylation. Also called: DK1-CDG; CONGENITAL DISORDER OF GLYCOSYLATION, TYPE Im; DOLK-congenital disorder of glycosylation; Carbohydrate deficient glycoprotein syndrome type 1m; CDG Im; DK1 DEFICIENCY. Identifiers: Orphanet 91131, MedGen C1835849, MONDO:0012556, OMIM 610768.

Submission:

Labcorp Genetics (formerly Invitae), Labcorp
Classification: Uncertain significance for DK1-congenital disorder of glycosylation. Last evaluated: 2022-07-03. Review status: criteria provided, single submitter. Criteria: Invitae Variant Classification Sherloc (09022015). Collection method: clinical testing. Allele origin: germline.
Comment: In summary, the available evidence is currently insufficient to determine the role of this variant in disease. Therefore, it has been classified as a Variant of Uncertain Significance. Algorithms developed to predict the effect of missense changes on protein structure and function are either unavailable or do not agree on the potential impact of this missense change (SIFT: "Tolerated"; PolyPhen-2: "Not Available"; Align-GVGD: "Class C0"). This variant has not been reported in the literature in individuals affected with DOLK-related conditions. This variant is not present in population databases (gnomAD no frequency). This sequence change replaces leucine, which is neutral and non-polar, with valine, which is neutral and non-polar, at codon 536 of the DOLK protein (p.Leu536Val).